The following is an entry in ClinVar:

ClinVar aggregate classification (germline): Uncertain significance (1 of 4 stars; one submission).

Conditions:
X-linked distal spinal muscular atrophy type 3. Also called: SPINAL MUSCULAR ATROPHY, DISTAL, X-LINKED RECESSIVE; NEURONOPATHY, DISTAL HEREDITARY MOTOR, X-LINKED; NEUROPATHY, DISTAL HEREDITARY MOTOR, X-LINKED; ATP7A-Related Distal Motor Neuropathy. Identifiers: Orphanet 139557, MedGen C1845359, MONDO:0010338, OMIM 300489.
Menkes kinky-hair syndrome (MNK). Also called: Copper transport disease; Classic Menkes Disease; Menkes Disease. Identifiers: Orphanet 565, MedGen C0022716, MONDO:0010651, OMIM 309400.
Cutis laxa, X-linked (OHS). Also called: EDS IX; Occipital horn syndrome. Identifiers: Orphanet 198, MedGen C0268353, MONDO:0010572, OMIM 304150.

Submission:

Labcorp Genetics (formerly Invitae), Labcorp
Classification: Uncertain significance for X-linked distal spinal muscular atrophy type 3; Cutis laxa, X-linked; Menkes kinky-hair syndrome. Last evaluated: 2022-08-19. Review status: criteria provided, single submitter. Criteria: Invitae Variant Classification Sherloc (09022015). Collection method: clinical testing. Allele origin: germline.
Comment: This sequence change replaces leucine, which is neutral and non-polar, with proline, which is neutral and non-polar, at codon 1409 of the ATP7A protein (p.Leu1409Pro). This variant is not present in population databases (gnomAD no frequency). This variant has not been reported in the literature in individuals affected with ATP7A-related conditions. Algorithms developed to predict the effect of missense changes on protein structure and function are either unavailable or do not agree on the potential impact of this missense change (SIFT: "Deleterious"; PolyPhen-2: "Possibly Damaging"; Align-GVGD: "Class C0"). In summary, the available evidence is currently insufficient to determine the role of this variant in disease. Therefore, it has been classified as a Variant of Uncertain Significance.

NM_000052.7(ATP7A):c.4226T>C (p.Leu1409Pro)

Gene: ATP7A (ATPase copper transporting alpha; plus strand). Cytogenetic location: Xq21.1.
Variant type: single nucleotide variant.
Coding change: c.4226T>C on transcript NM_000052.7 (MANE Select); coding-DNA position 4226, T replaced by C.
Protein change: p.Leu1409Pro; replaces leucine 1409 with proline.
Molecular consequence: missense variant. On other transcripts: non-coding transcript variant (1).
Genome position (GRCh38, 1-based): chrX:78,045,572, T>C. VCF-style: chrX-78045572-T-C. GRCh37 (hg19) VCF-style: chrX-77301069-T-C.
Other names: c.3992T>C, p.Leu1331Pro (NM_001282224.2); short protein forms L1331P, L1409P.
Identifiers: ClinVar variation 1717004 (VCV001717004.6), dbSNP rs2522425721, ClinGen allele CA413605947.